The following is an entry in ClinVar:

NM_001037333.3(CYFIP2):c.1628A>G (p.Asp543Gly)

Gene: CYFIP2 (cytoplasmic FMR1 interacting protein 2; plus strand). Cytogenetic location: 5q33.3.
Variant type: single nucleotide variant.
Coding change: c.1628A>G on transcript NM_001037333.3 (MANE Select); coding-DNA position 1628, A replaced by G.
Protein change: p.Asp543Gly; replaces aspartic acid 543 with glycine.
Molecular consequence: missense variant.
Genome position (GRCh38, 1-based): chr5:157,320,759, A>G. VCF-style: chr5-157320759-A-G. GRCh37 (hg19) VCF-style: chr5-156747767-A-G.
Other names: c.1550A>G, p.Asp517Gly (NM_001291721.2); c.1628A>G, p.Asp543Gly (NM_001291722.2, NM_014376.4); short protein forms D543G, D517G.
Identifiers: ClinVar variation 1445788 (VCV001445788.8), dbSNP rs748115365, ClinGen allele CA3533649.

ClinVar aggregate classification (germline): Uncertain significance (1 of 4 stars; one submission).

Allele frequency attached by ClinVar (database versions not stated): gnomAD exomes below 0.00001 and 0.00001; ExAC 0.00002.
gnomAD v4.1: 5 of 1,611,712 alleles (0.00031%); highest among the groups gnomAD compares: South Asian, 0.0055%; no homozygotes.

Submission:

Labcorp Genetics (formerly Invitae), Labcorp
Classification: Uncertain significance. Last evaluated: 2022-08-23. Review status: criteria provided, single submitter. Criteria: Invitae Variant Classification Sherloc (09022015). Collection method: clinical testing. Allele origin: germline.
Comment: In summary, the available evidence is currently insufficient to determine the role of this variant in disease. Therefore, it has been classified as a Variant of Uncertain Significance. Algorithms developed to predict the effect of missense changes on protein structure and function are either unavailable or do not agree on the potential impact of this missense change (SIFT: "Tolerated"; PolyPhen-2: "Not Available"; Align-GVGD: "Class C0"). ClinVar contains an entry for this variant (Variation ID: 1445788). This variant has not been reported in the literature in individuals affected with CYFIP2-related conditions. This variant is present in population databases (rs748115365, gnomAD 0.01%). This sequence change replaces aspartic acid, which is acidic and polar, with glycine, which is neutral and non-polar, at codon 543 of the CYFIP2 protein (p.Asp543Gly).